The following is an entry in ClinVar:

NM_001167623.2(CACNA1C):c.1122C>T (p.Asp374=)

Gene: CACNA1C (calcium voltage-gated channel subunit alpha1 C; plus strand). Cytogenetic location: 12p13.33.
Variant type: single nucleotide variant.
Coding change: c.1122C>T on transcript NM_001167623.2 (MANE Plus Clinical); coding-DNA position 1122, C replaced by T.
Protein change: p.Asp374=; no amino-acid change (aspartic acid 374 retained).
Molecular consequence: synonymous variant. On other transcripts: intron variant (19).
Genome position (GRCh38, 1-based): chr12:2,504,444, C>T. VCF-style: chr12-2504444-C-T. GRCh37 (hg19) VCF-style: chr12-2613610-C-T.
Other names: c.1122C>T, p.Asp374= (NM_001129840.2, NM_001167624.3, NM_001167625.2); c.1114-398C>T (NM_199460.4, NM_001129827.2, NM_001129832.2 and 15 more transcripts); c.1105-398C>T (NM_001129844.2).
Identifiers: ClinVar variation 517096 (VCV000517096.9), dbSNP rs374268470, ClinGen allele CA6388628.

ClinVar aggregate classification (germline): Likely benign. Review status: criteria provided, multiple submitters, no conflicts (2 of 4 stars). 2 submissions from 2 submitters: Likely benign (2). Last evaluated 2025-08-04.

Conditions:
Long QT syndrome (LQTS). Identifiers: MedGen C0023976, MeSH D008133, MONDO:0002442. Disease mechanism: loss of function. Inheritance: Various modes of inheritance.

Allele frequency attached by ClinVar (database versions not stated): gnomAD 0.00001; gnomAD exomes 0.00001; TOPMed 0.00001; ExAC 0.00003; ESP Exome Variant Server 0.00010.
gnomAD v4.1: 21 of 1,590,770 alleles (0.0013%); highest among the groups gnomAD compares: East Asian, 0.0022%; no homozygotes.

Submissions (2):

Labcorp Genetics (formerly Invitae), Labcorp
Classification: Likely benign for Long QT syndrome. Last evaluated: 2025-08-04. Review status: criteria provided, single submitter. Criteria: Invitae Variant Classification Sherloc (09022015). Collection method: clinical testing. Allele origin: germline.

GeneDx
Classification: Likely benign. Last evaluated: 2017-12-22. Review status: criteria provided, single submitter. Criteria: GeneDx Variant Classification (06012015). Collection method: clinical testing. Allele origin: germline. Affected: yes.
Comment: This variant is considered likely benign or benign based on one or more of the following criteria: it is a conservative change, it occurs at a poorly conserved position in the protein, it is predicted to be benign by multiple in silico algorithms, and/or has population frequency not consistent with disease.